The following is an entry in ClinVar:

NM_000293.3(PHKB):c.731C>T (p.Ala244Val)

Gene: PHKB (phosphorylase kinase regulatory subunit beta; plus strand). Cytogenetic location: 16q12.1.
Variant type: single nucleotide variant.
Coding change: c.731C>T on transcript NM_000293.3 (MANE Select); coding-DNA position 731, C replaced by T.
Protein change: p.Ala244Val; replaces alanine 244 with valine.
Molecular consequence: missense variant.
Genome position (GRCh38, 1-based): chr16:47,580,315, C>T. VCF-style: chr16-47580315-C-T. GRCh37 (hg19) VCF-style: chr16-47614226-C-T.
Other names: c.710C>T, p.Ala237Val (NM_001031835.3); c.731C>T, p.Ala244Val (NM_001363837.1); short protein forms A237V, A244V.
Identifiers: ClinVar variation 2059910 (VCV002059910.4), dbSNP rs2506344741, ClinGen allele CA395793406.
Genomic context (GRCh38, chr16:47,580,315, plus strand): 5'-CATACATTAGAGTAATAAAGCATTTCCTTTTCTCTTTTAGCTCGGTTGGTTTAGCAAAAG[C>T]AGCTCTAGAAGCAATTAATGGATTCAACCTTTTTGGCAACCAGGTAAAAAATAAGACCCC-3'
Protein context (NP_000284.1, residues 234-254): LHSSSVGLAK[Ala244Val]ALEAINGFNL

ClinVar aggregate classification (germline): Uncertain significance (1 of 4 stars; one submission).

Conditions:
Glycogen storage disease IXb (GSD9B). Also called: GLYCOGENOSIS OF LIVER AND MUSCLE, AUTOSOMAL RECESSIVE; GSD IXb; PHOSPHORYLASE KINASE DEFICIENCY OF LIVER AND MUSCLE, AUTOSOMAL RECESSIVE. Identifiers: Orphanet 79240, MedGen C0543514, MONDO:0009868, OMIM 261750.

Allele frequency attached by ClinVar (database versions not stated): gnomAD exomes below 0.00001.
gnomAD v4.1: 1 of 1,612,792 alleles (0.000062%); highest among the groups gnomAD compares: Non-Finnish European, 0.000085%; no homozygotes.

Submission:

Labcorp Genetics (formerly Invitae), Labcorp
Classification: Uncertain significance for Glycogen storage disease IXb. Last evaluated: 2023-10-30. Review status: criteria provided, single submitter. Criteria: Invitae Variant Classification Sherloc (09022015). Collection method: clinical testing. Allele origin: germline.
Comment: This sequence change replaces alanine, which is neutral and non-polar, with valine, which is neutral and non-polar, at codon 244 of the PHKB protein (p.Ala244Val). This variant is not present in population databases (gnomAD no frequency). This variant has not been reported in the literature in individuals affected with PHKB-related conditions. ClinVar contains an entry for this variant (Variation ID: 2059910). An algorithm developed to predict the effect of missense changes on protein structure and function (PolyPhen-2) suggests that this variant is likely to be tolerated. In summary, the available evidence is currently insufficient to determine the role of this variant in disease. Therefore, it has been classified as a Variant of Uncertain Significance.